The following is an entry in ClinVar:

ClinVar aggregate classification (germline): Likely pathogenic (1 of 4 stars; one submission).

Allele frequency attached by ClinVar (database versions not stated): gnomAD exomes below 0.00001.
gnomAD v4.1: 2 of 1,606,476 alleles (0.00012%); highest among the groups gnomAD compares: East Asian, 0.0045%; no homozygotes.

Submission:

Labcorp Genetics (formerly Invitae), Labcorp
Classification: Likely pathogenic. Last evaluated: 2023-10-29. Review status: criteria provided, single submitter. Criteria: Invitae Variant Classification Sherloc (09022015). Collection method: clinical testing. Allele origin: germline.
Comment: This sequence change affects an acceptor splice site in intron 4 of the GALNT3 gene. It is expected to disrupt RNA splicing. Variants that disrupt the donor or acceptor splice site typically lead to a loss of protein function (PMID: 16199547), and loss-of-function variants in GALNT3 are known to be pathogenic (PMID: 15133511, 20358599). This variant is not present in population databases (gnomAD no frequency). This variant has not been reported in the literature in individuals affected with GALNT3-related conditions. Algorithms developed to predict the effect of sequence changes on RNA splicing suggest that this variant may disrupt the consensus splice site. In summary, the currently available evidence indicates that the variant is pathogenic, but additional data are needed to prove that conclusively. Therefore, this variant has been classified as Likely Pathogenic.

Literature cited by the submitters: PubMed 16199547; PubMed 15133511; PubMed 20358599.

NM_004482.4(GALNT3):c.839-2A>C

Gene: GALNT3 (polypeptide N-acetylgalactosaminyltransferase 3; minus strand). Cytogenetic location: 2q24.3.
Variant type: single nucleotide variant.
Coding change: c.839-2A>C on transcript NM_004482.4 (MANE Select); the canonical splice acceptor site of the intron before coding-DNA position 839, A replaced by C.
Molecular consequence: splice acceptor variant.
Genome position (GRCh38, 1-based): chr2:165,759,572, T>G on the plus strand (A>C on the coding strand, the complement: GALNT3 is on the minus strand). VCF-style: chr2-165759572-T-G. GRCh37 (hg19) VCF-style: chr2-166616082-T-G.
Identifiers: ClinVar variation 2803641 (VCV002803641.3), dbSNP rs1688507660, ClinGen allele CA349037758.